The following is an entry in ClinVar:

ClinVar aggregate classification (germline): Benign (0 of 4 stars; one submission).

Conditions:
PARD6A-related disorder. Also called: PARD6A-related condition.

Allele frequency attached by ClinVar (database versions not stated): 1000 Genomes Project 0.01538; 1000 Genomes Project 30x 0.01608; TOPMed 0.02894; gnomAD 0.02930; ESP Exome Variant Server 0.03093; ExAC 0.03180.
gnomAD v4.1: 60,232 of 1,613,598 alleles (3.7%); highest among the groups gnomAD compares: Middle Eastern, 10%; 1,337 homozygotes.

Submission:

PreventionGenetics, part of Exact Sciences
Classification: Benign for PARD6A-related condition. Last evaluated: 2019-10-17. Review status: no assertion criteria provided. Collection method: clinical testing. Allele origin: germline.
Comment: This variant is classified as benign based on ACMG/AMP sequence variant interpretation guidelines (Richards et al. 2015 PMID: 25741868, with internal and published modifications).

NM_001037281.2(PARD6A):c.853G>A (p.Val285Ile)

Gene: PARD6A (par-6 family cell polarity regulator alpha; plus strand). Cytogenetic location: 16q22.1.
Variant type: single nucleotide variant.
Coding change: c.853G>A on transcript NM_001037281.2 (MANE Select); coding-DNA position 853, G replaced by A.
Protein change: p.Val285Ile; replaces valine 285 with isoleucine.
Molecular consequence: missense variant.
Genome position (GRCh38, 1-based): chr16:67,662,462, G>A. VCF-style: chr16-67662462-G-A. GRCh37 (hg19) VCF-style: chr16-67696365-G-A.
Other names: c.856G>A, p.Val286Ile (NM_016948.3); short protein forms V285I, V286I.
Identifiers: ClinVar variation 3056133 (VCV003056133.2), dbSNP rs35356834, ClinGen allele CA8115155.